The following is an entry in ClinVar:

ClinVar aggregate classification (germline): Uncertain significance. Review status: criteria provided, multiple submitters, no conflicts (2 of 4 stars). 3 submissions from 3 submitters: Uncertain significance (3). Last evaluated 2024-12-04.

Conditions:
Congenital muscular dystrophy due to integrin alpha-7 deficiency. Also called: Congenital muscular dystrophy with integrin alpha-7 deficiency; Muscular dystrophy, congenital, due to ITGA7 deficiency; MYOPATHY, CONGENITAL, DUE TO INTEGRIN ALPHA-7 DEFICIENCY. Identifiers: Orphanet 34520, MedGen C2750786, MONDO:0013177, OMIM 613204.

Allele frequency attached by ClinVar (database versions not stated): gnomAD exomes 0.00002 and 0.00011; ExAC 0.00003; gnomAD 0.00003 and 0.00004; TOPMed 0.00003.
gnomAD v4.1: 156 of 1,611,292 alleles (0.0097%); highest among the groups gnomAD compares: Non-Finnish European, 0.013%; no homozygotes.

Submissions (3):

GeneDx
Classification: Uncertain significance. Last evaluated: 2024-12-04. Review status: criteria provided, single submitter. Criteria: GeneDx Variant Classification Process June 2021. Collection method: clinical testing. Allele origin: germline. Affected: yes.
Comment: Not observed at significant frequency in large population cohorts (gnomAD); In silico analysis indicates that this missense variant does not alter protein structure/function; Has not been previously published as pathogenic or benign to our knowledge

Revvity Omics, Revvity
Classification: Uncertain significance for Congenital muscular dystrophy due to integrin alpha-7 deficiency. Last evaluated: 2024-11-19. Review status: criteria provided, single submitter. Criteria: ACMG Guidelines, 2015. Collection method: clinical testing. Allele origin: germline.

Labcorp Genetics (formerly Invitae), Labcorp
Classification: Uncertain significance for Congenital muscular dystrophy due to integrin alpha-7 deficiency. Last evaluated: 2022-05-04. Review status: criteria provided, single submitter. Criteria: Invitae Variant Classification Sherloc (09022015). Collection method: clinical testing. Allele origin: germline.
Comment: This sequence change replaces glutamine, which is neutral and polar, with arginine, which is basic and polar, at codon 76 of the ITGA7 protein (p.Gln76Arg). This variant is present in population databases (rs767427150, gnomAD 0.005%). This variant has not been reported in the literature in individuals affected with ITGA7-related conditions. ClinVar contains an entry for this variant (Variation ID: 470572). Algorithms developed to predict the effect of missense changes on protein structure and function are either unavailable or do not agree on the potential impact of this missense change (SIFT: "Tolerated"; PolyPhen-2: "Possibly Damaging"; Align-GVGD: "Class C0"). In summary, the available evidence is currently insufficient to determine the role of this variant in disease. Therefore, it has been classified as a Variant of Uncertain Significance.

NM_002206.3(ITGA7):c.227A>G (p.Gln76Arg)

Gene: ITGA7 (integrin subunit alpha 7; minus strand). Cytogenetic location: 12q13.2.
Variant type: single nucleotide variant.
Coding change: c.227A>G on transcript NM_002206.3 (MANE Select); coding-DNA position 227, A replaced by G.
Protein change: p.Gln76Arg; replaces glutamine 76 with arginine.
Molecular consequence: missense variant. On other transcripts: 5 prime UTR variant (3), intron variant (1).
Genome position (GRCh38, 1-based): chr12:55,703,158, T>C on the plus strand (A>G on the coding strand, the complement: ITGA7 is on the minus strand). VCF-style: chr12-55703158-T-C. GRCh37 (hg19) VCF-style: chr12-56096942-T-C.
Other names: c.227A>G, p.Gln76Arg (NM_001144996.2, NM_001374465.1, NM_001410977.1 and 6 more transcripts); c.-113A>G (NM_001367993.1, NM_001414035.1); c.-946A>G (NM_001367994.1); c.86-1742A>G (NM_001144997.2); short protein forms Q76R.
Identifiers: ClinVar variation 470572 (VCV000470572.10), dbSNP rs767427150, ClinGen allele CA6616412.
Genomic context (GRCh38, chr12:55,703,158, plus strand): 5'-AACGGGCAAGCGAAGAGGCCTCCAGTGCGATTCGCCTGCTGCCCAGGAAGAGCCAGGGCC[T>C]GGGGAGCACCCACCAGCAGCCTGCAAGATGGGGCAGGGGCAGGGACAGGGACAGGAGTTA-3'
Protein context (NP_002197.2, residues 66-86): PQSWLLVGAP[Gln76Arg]ALALPGQQAN